The following is an entry in ClinVar:

ClinVar aggregate classification (germline): Uncertain significance (1 of 4 stars; one submission).

Allele frequency attached by ClinVar (database versions not stated): gnomAD exomes 0.00001.
gnomAD v4.1: 7 of 1,549,840 alleles (0.00045%); highest among the groups gnomAD compares: Non-Finnish European, 0.00061%; no homozygotes.

Submission:

CeGaT Center for Human Genetics Tuebingen
Classification: Uncertain significance. Last evaluated: 2024-01-01. Review status: criteria provided, single submitter. Criteria: CeGaT Center For Human Genetics Tuebingen Variant Classification Criteria Version 2. Collection method: clinical testing. Allele origin: germline. Affected: yes. Observed: 1 variant allele.
Comment: ARPC1B: PM2, BP4

NM_005720.4(ARPC1B):c.950C>T (p.Ala317Val)

Gene: ARPC1B (actin related protein 2/3 complex subunit 1B; plus strand). Cytogenetic location: 7q22.1.
Variant type: single nucleotide variant.
Coding change: c.950C>T on transcript NM_005720.4 (MANE Select); coding-DNA position 950, C replaced by T.
Protein change: p.Ala317Val; replaces alanine 317 with valine.
Molecular consequence: missense variant.
Genome position (GRCh38, 1-based): chr7:99,392,837, C>T. VCF-style: chr7-99392837-C-T. GRCh37 (hg19) VCF-style: chr7-98990460-C-T.
Other names: short protein forms A317V.
Identifiers: ClinVar variation 3026994 (VCV003026994.22), dbSNP rs1420120669, ClinGen allele CA368329307.